The following is an entry in ClinVar:

NM_002709.3(PPP1CB):c.923G>T (p.Gly308Val)

Gene: PPP1CB (protein phosphatase 1 catalytic subunit beta; plus strand). Cytogenetic location: 2p23.2.
Variant type: single nucleotide variant.
Coding change: c.923G>T on transcript NM_002709.3 (MANE Select); coding-DNA position 923, G replaced by T.
Protein change: p.Gly308Val; replaces glycine 308 with valine.
Molecular consequence: missense variant.
Genome position (GRCh38, 1-based): chr2:28,799,242, G>T. VCF-style: chr2-28799242-G-T. GRCh37 (hg19) VCF-style: chr2-29022108-G-T.
Other names: c.923G>T, p.Gly308Val (NM_206876.2); short protein forms G308V.
Identifiers: ClinVar variation 4535038 (VCV004535038.6).

ClinVar aggregate classification (germline): Uncertain significance (1 of 4 stars; one submission).

Submission:

CeGaT Center for Human Genetics Tuebingen
Classification: Uncertain significance. Last evaluated: 2025-10-01. Review status: criteria provided, single submitter. Criteria: CeGaT Center For Human Genetics Tuebingen Variant Classification Criteria Version 2. Collection method: clinical testing. Allele origin: germline. Affected: yes. Observed: 1 variant allele.
Comment: PPP1CB: PM2, PP2